The following is an entry in ClinVar:

ClinVar aggregate classification (germline): Conflicting classifications of pathogenicity. Review status: criteria provided, conflicting classifications (1 of 4 stars). 2 submissions from 2 submitters: Uncertain significance (1); Likely benign (1). Last evaluated 2025-05-09.

Conditions:
TTN-related disorder. Also called: TTN-related condition; TTN-related disease; TTN-related disorders.

Allele frequency attached by ClinVar (database versions not stated): TOPMed 0.00014; ESP Exome Variant Server 0.00031.
gnomAD v4.1: 34 of 1,612,068 alleles (0.0021%); highest among the groups gnomAD compares: African/African-American, 0.045%; no homozygotes.

Submissions (2):

PreventionGenetics, part of Exact Sciences
Classification: Likely benign for TTN-related condition. Last evaluated: 2025-05-09. Review status: criteria provided, single submitter. Criteria: ACMG Guidelines, 2015. Collection method: clinical testing. Allele origin: germline.
Comment: This variant is classified as likely benign based on ACMG/AMP sequence variant interpretation guidelines (Richards et al. 2015 PMID: 25741868, with internal and published modifications).

Eurofins Ntd Llc (ga)
Classification: Uncertain significance. Last evaluated: 2017-06-27. Review status: criteria provided, single submitter. Criteria: EGL Classification Definitions 2015. Collection method: clinical testing. Allele origin: germline. Observed: 1 variant allele, 1 heterozygote.

NM_133379.5(TTN):c.11982G>T (p.Ser3994=)

Gene: TTN (titin; minus strand). Cytogenetic location: 2q31.2.
Variant type: single nucleotide variant.
Coding change: c.11982G>T on transcript NM_133379.5; coding-DNA position 11982, G replaced by T.
Protein change: p.Ser3994=; no amino-acid change (serine 3994 retained).
Molecular consequence: synonymous variant. On other transcripts: intron variant (6).
Genome position (GRCh38, 1-based): chr2:178,750,418, C>A on the plus strand (G>T on the coding strand, the complement: TTN is on the minus strand). VCF-style: chr2-178750418-C-A. GRCh37 (hg19) VCF-style: chr2-179615145-C-A.
Other names: c.11982G>T (NM_133379.4); c.10222+2706G>T (NM_003319.4); c.10798+2706G>T (NM_133437.4); c.10597+2706G>T (NM_133432.3); c.10360+2706G>T (NM_133378.4, NM_001256850.1); c.11311+2706G>T (NM_001267550.2).
Identifiers: ClinVar variation 502714 (VCV000502714.6), dbSNP rs144909083, ClinGen allele CA2003638.